The following is an entry in ClinVar:

ClinVar aggregate classification (germline): Uncertain significance (1 of 4 stars; one submission).

Submission:

Women's Health and Genetics/Laboratory Corporation of America, LabCorp
Classification: Uncertain significance. Last evaluated: 2020-01-13. Review status: criteria provided, single submitter. Criteria: LabCorp Variant Classification Summary - May 2015. Collection method: clinical testing. Allele origin: germline.
Comment: Variant summary: SOS2 c.985_1064dup80 (p.Lys356LeufsX27) results in a premature termination codon, predicted to cause a truncation of the encoded protein or absence of the protein due to nonsense mediated decay, which are not commonly known mechanisms for disease. The variant was absent in 242778 control chromosomes (gnomAD). The available data on variant occurrences in the general population are insufficient to allow any conclusion about variant significance. To our knowledge, no occurrence of c.985_1064dup80 in individuals affected with Noonan Syndrome and Related Conditions and no experimental evidence demonstrating its impact on protein function have been reported. No clinical diagnostic laboratories have submitted clinical-significance assessments for this variant to ClinVar after 2014. Based on the evidence outlined above, the variant was classified as uncertain significance.

NM_006939.4(SOS2):c.985_1064dup (p.Lys356fs)

Gene: SOS2 (SOS Ras/Rho guanine nucleotide exchange factor 2; minus strand). Cytogenetic location: 14q21.3.
Variant type: Duplication.
Coding change: c.985_1064dup on transcript NM_006939.4 (MANE Select); coding-DNA positions 985 to 1064, 80 bases duplicated.
Protein change: p.Lys356fs; shifts the reading frame from lysine 356.
Molecular consequence: frameshift variant.
Genome position (GRCh38, 1-based): chr14:50,174,458-50,174,537, 80 bases duplicated. GRCh37 (hg19): chr14:50,641,177-50,641,256.
Other names: short protein forms K356fs.
Identifiers: ClinVar variation 917648 (VCV000917648.1), dbSNP rs1885462206, ClinGen allele CA1139663481.